The following is an entry in ClinVar:

ClinVar aggregate classification (germline): Likely pathogenic (1 of 4 stars; one submission).

Submission:

GeneDx
Classification: Likely pathogenic. Last evaluated: 2024-06-25. Review status: criteria provided, single submitter. Criteria: GeneDx Variant Classification Process June 2021. Collection method: clinical testing. Allele origin: germline. Affected: yes.
Comment: Not observed at significant frequency in large population cohorts (gnomAD); In silico analysis supports that this missense variant has a deleterious effect on protein structure/function; This variant is associated with the following publications: (PMID: 29358706, 11793470)

NM_000252.3(MTM1):c.836C>G (p.Ala279Gly)

Gene: MTM1 (myotubularin 1; plus strand). Cytogenetic location: Xq28.
Variant type: single nucleotide variant.
Coding change: c.836C>G on transcript NM_000252.3 (MANE Select); coding-DNA position 836, C replaced by G.
Protein change: p.Ala279Gly; replaces alanine 279 with glycine.
Molecular consequence: missense variant.
Genome position (GRCh38, 1-based): chrX:150,645,840, C>G. VCF-style: chrX-150645840-C-G. GRCh37 (hg19) VCF-style: chrX-149814313-C-G.
Other names: c.836C>G, p.Ala279Gly (NM_001376906.1, NM_001376908.1); c.725C>G, p.Ala242Gly (NM_001376907.1); short protein forms A242G, A279G.
Identifiers: ClinVar variation 3392901 (VCV003392901.1).